The following is an entry in ClinVar:

ClinVar aggregate classification (germline): Uncertain significance (1 of 4 stars; one submission).

Submission:

GeneDx
Classification: Uncertain significance. Last evaluated: 2022-11-18. Review status: criteria provided, single submitter. Criteria: GeneDx Variant Classification Process June 2021. Collection method: clinical testing. Allele origin: germline. Affected: yes.
Comment: Not observed at significant frequency in large population cohorts (gnomAD); In silico analysis supports that this missense variant does not alter protein structure/function; Has not been previously published as pathogenic or benign to our knowledge

NM_014991.6(WDFY3):c.4696A>G (p.Ile1566Val)

Gene: WDFY3 (WD repeat and FYVE domain containing 3; minus strand). Cytogenetic location: 4q21.23.
Variant type: single nucleotide variant.
Coding change: c.4696A>G on transcript NM_014991.6 (MANE Select); coding-DNA position 4696, A replaced by G.
Protein change: p.Ile1566Val; replaces isoleucine 1566 with valine.
Molecular consequence: missense variant.
Genome position (GRCh38, 1-based): chr4:84,774,878, T>C on the plus strand (A>G on the coding strand, the complement: WDFY3 is on the minus strand). VCF-style: chr4-84774878-T-C. GRCh37 (hg19) VCF-style: chr4-85696031-T-C.
Other names: short protein forms I1566V.
Identifiers: ClinVar variation 2502555 (VCV002502555.1), dbSNP rs1745282925, ClinGen allele CA357547215.
Genomic context (GRCh38, chr4:84,774,878, plus strand): 5'-ACCTGAGCAGATCATTGCTGCTAGGAAAACCTTGCAGTAAGAAGCTCAGGACATTACTAA[T>C]AGCAGCAATAGTAGGCTGGGATAAAGACATATCTCGAAGAGTCAGGAGCAGCTTTGGGAT-3'
Protein context (NP_055806.2, residues 1556-1576): MSLSQPTIAA[Ile1566Val]SNVLSFLLQG